The following is an entry in ClinVar:

NM_032638.5(GATA2):c.1055G>T (p.Cys352Phe)

Gene: GATA2 (GATA binding protein 2; minus strand). Cytogenetic location: 3q21.3.
Variant type: single nucleotide variant.
Coding change: c.1055G>T on transcript NM_032638.5 (MANE Select); coding-DNA position 1055, G replaced by T.
Protein change: p.Cys352Phe; replaces cysteine 352 with phenylalanine.
Molecular consequence: missense variant. On other transcripts: intron variant (1).
Genome position (GRCh38, 1-based): chr3:128,481,907, C>A on the plus strand (G>T on the coding strand, the complement: GATA2 is on the minus strand). VCF-style: chr3-128481907-C-A. GRCh37 (hg19) VCF-style: chr3-128200750-C-A.
Other names: c.1055G>T, p.Cys352Phe (NM_001145661.2); c.1018-5G>T (NM_001145662.1); short protein forms C352F.
Identifiers: ClinVar variation 1184240 (VCV001184240.1), dbSNP rs2107668733, ClinGen allele CA354413633.

ClinVar aggregate classification (germline): Likely pathogenic (1 of 4 stars; one submission).

Conditions:
Deafness-lymphedema-leukemia syndrome. Also called: Emberger syndrome; Lymphedema, primary, with myelodysplasia. Identifiers: Orphanet 3226, MedGen C3279664, MONDO:0013540, OMIM 614038.
GATA2 deficiency with susceptibility to MDS/AML. Identifiers: MedGen CN300066, MONDO:0042982.

Submission:

Molecular Pathology Research Laboratory, SA Pathology
Classification: Likely pathogenic for GATA2 deficiency with susceptibility to MDS/AML; Deafness-lymphedema-leukemia syndrome. Last evaluated: 2021-07-06. Review status: criteria provided, single submitter. Criteria: ACMG Guidelines, 2015. Collection method: curation. Allele origin: unknown. Inheritance: Autosomal dominant inheritance. Affected: yes. Observed: 1 variant allele.
Comment: PS4_Supporting, PM1, PM2, PM5, PP3

Literature cited by the submitters: PubMed 31340620.